The following is an entry in ClinVar:

ClinVar aggregate classification (germline): Uncertain significance. Review status: criteria provided, multiple submitters, no conflicts (2 of 4 stars). 6 submissions from 6 submitters: Uncertain significance (6). Last evaluated 2026-08-12.

Conditions:
TTN-related myopathy. Identifiers: MedGen CN294812, MONDO:0100175.
TTN-related disorder. Also called: TTN-related condition; TTN-related disease; TTN-related disorders.
Dilated cardiomyopathy 1G (CMD1G). Identifiers: Orphanet 154, MedGen C1858763, MONDO:0011400, OMIM 604145.
Autosomal recessive limb-girdle muscular dystrophy type 2J (LGMDR10). Also called: Limb-girdle muscular dystrophy, type 2J; MUSCULAR DYSTROPHY, LIMB-GIRDLE, AUTOSOMAL RECESSIVE 10. Identifiers: Orphanet 140922, MedGen C1837342, MONDO:0012127, OMIM 608807.

Allele frequency attached by ClinVar (database versions not stated): TOPMed 0.00004; gnomAD 0.00007; gnomAD exomes 0.00007 and 0.00009; ExAC 0.00016; ESP Exome Variant Server 0.00017.

Submissions (6):

PreventionGenetics, part of Exact Sciences
Classification: Uncertain significance for TTN-related condition. Last evaluated: 2026-08-12. Review status: criteria provided, single submitter. Criteria: ACMG Guidelines, 2015. Collection method: clinical testing. Allele origin: germline.
Comment: The TTN c.27928G>A variant is predicted to result in the amino acid substitution p.Val9310Ile. To our knowledge, this variant has not been reported in the literature. This variant is reported in 0.018% of alleles in individuals of European (Non-Finnish) descent in gnomAD. At this time, the clinical significance of this variant is uncertain due to the absence of conclusive functional and genetic evidence.

Revvity Omics, Revvity
Classification: Uncertain significance. Last evaluated: 2025-06-18. Review status: criteria provided, single submitter. Criteria: ACMG Guidelines, 2015. Collection method: clinical testing. Allele origin: germline.

Women's Health and Genetics/Laboratory Corporation of America, LabCorp
Classification: Uncertain significance. Last evaluated: 2022-01-30. Review status: criteria provided, single submitter. Criteria: LabCorp Variant Classification Summary - May 2015. Collection method: clinical testing. Allele origin: germline.
Comment: Variant summary: TTN c.24196G>A (p.Val8066Ile) results in a conservative amino acid change located in the I-band region of the encoded protein sequence. Four of four in-silico tools predict a benign effect of the variant on protein function. The variant allele was found at a frequency of 9.3e-05 in 248246 control chromosomes. This frequency is not significantly higher than expected for a pathogenic variant in TTN causing Dilated Cardiomyopathy (9.3e-05 vs 0.00039), allowing no conclusion about variant significance. To our knowledge, no occurrence of c.24196G>A in individuals affected with Dilated Cardiomyopathy and no experimental evidence demonstrating its impact on protein function have been reported. At-least one co-occurrence with another pathogenic variant(s) have been observed at our laboratory (MYH7 c.2722C>G, p.Leu908Val), providing supporting evidence for a benign role. One clinical diagnostic laboratory has submitted clinical-significance assessments for this variant to ClinVar after 2014 without evidence for independent evaluation and classified the variant as uncertain significance. Based on the evidence outlined above, the variant was classified as uncertain significance.

Department of Pathology and Laboratory Medicine, Sinai Health System
Classification: Uncertain significance for TTN-related myopathy. Last evaluated: 2021-01-26. Review status: criteria provided, single submitter. Criteria: ACMG Guidelines, 2015. Collection method: research. Allele origin: germline.

Labcorp Genetics (formerly Invitae), Labcorp
Classification: Uncertain significance for Dilated cardiomyopathy 1G; Autosomal recessive limb-girdle muscular dystrophy type 2J. Last evaluated: 2017-09-05. Review status: criteria provided, single submitter. Criteria: Invitae Variant Classification Sherloc (09022015). Collection method: clinical testing. Allele origin: germline.

GeneDx
Classification: Uncertain significance. Last evaluated: 2014-03-26. Review status: criteria provided, single submitter. Criteria: GeneDx Variant Classification (06012015). Collection method: clinical testing. Allele origin: germline. Affected: yes.
Comment: Missense variants in the TTN gene are considered 'unclassified' if they are not previously reported in the literature and do not have >1% frequency in the population to be considered a polymorphism. Research indicates that truncating mutations in the TTN gene are expected to account for approximately 25% of familial and 18% of sporadic idiopathic DCM; however, truncating variants in the TTN gene have been reported in approximately 3% of reported control alleles. There has been little investigation into non-truncating variants. (Herman D et al. Truncations of titin causing dilated cardiomyopathy. N Eng J Med 366:619-628, 2012) The variant is found in DCM,CARDIOMYOPATHY panel(s).

NM_001267550.2(TTN):c.27928G>A (p.Val9310Ile)

Gene: TTN (titin; minus strand). Cytogenetic location: 2q31.2.
Variant type: single nucleotide variant.
Coding change: c.27928G>A on transcript NM_001267550.2 (MANE Select); coding-DNA position 27928, G replaced by A.
Protein change: p.Val9310Ile; replaces valine 9310 with isoleucine.
Molecular consequence: missense variant. On other transcripts: intron variant (3).
Genome position (GRCh38, 1-based): chr2:178,711,308, C>T on the plus strand (G>A on the coding strand, the complement: TTN is on the minus strand). VCF-style: chr2-178711308-C-T. GRCh37 (hg19) VCF-style: chr2-179576035-C-T.
Other names: p.V8993I:GTT>ATT; c.26977G>A, p.Val8993Ile (NM_001256850.1); c.24196G>A, p.Val8066Ile (NM_133378.4); c.13282+26774G>A (NM_003319.4); c.13858+26774G>A (NM_133437.4); c.13657+26774G>A (NM_133432.3); short protein forms V8993I, V9310I, V8066I.
Identifiers: ClinVar variation 203353 (VCV000203353.8), dbSNP rs200207722, ClinGen allele CA312127.
Genomic context (GRCh38, chr2:178,711,308, plus strand): 5'-TAGGTTCTGATCCACTTATGGCACAATCAAAAACAACTGGCAGTCCAACTGTTTCTTGAA[C>T]ATCTCTCAATTGTCGAGAAAATGATGGTGGAAGTTTTTGCTCTGTAGGAACAGAATAAAA-3'
Protein context (NP_001254479.2, residues 9300-9320): PPSFSRQLRD[Val9310Ile]QETVGLPVVF